The following is an entry in ClinVar:

ClinVar aggregate classification (germline): Uncertain significance (1 of 4 stars; one submission).

Conditions:
Chromosome 2q32-q33 deletion syndrome (GLASS). Also called: Glass syndrome; 2q33.1 deletion syndrome. Identifiers: Orphanet 251019, MedGen C2676739, MONDO:0012864, OMIM 612313.

Submission:

Labcorp Genetics (formerly Invitae), Labcorp
Classification: Uncertain significance for Chromosome 2q32-q33 deletion syndrome. Last evaluated: 2023-01-29. Review status: criteria provided, single submitter. Criteria: Invitae Variant Classification Sherloc (09022015). Collection method: clinical testing. Allele origin: unknown.
Comment: This variant has not been reported in the literature in individuals affected with SATB2-related conditions. In summary, the available evidence is currently insufficient to determine the role of this variant in disease. Therefore, it has been classified as a Variant of Uncertain Significance. Experimental studies and prediction algorithms are not available or were not evaluated, and the functional significance of this variant is currently unknown. This variant results in a copy number gain of the genomic region encompassing exon(s) 9-10 of the SATB2 gene. While the exact position of this variant cannot be determined from the data, sub-genic copy number gains are generally in tandem (PMID: 25640679). This variant is predicted to be in-frame, and likely preserves the integrity of the reading frame.

Literature cited by the submitters: PubMed 25640679.

NC_000002.11:g.(?_200188506)_(200193653_?)dup

Gene: SATB2 (SATB homeobox 2; minus strand). Cytogenetic location: 2q33.1.
Variant type: Duplication.
Identifiers: ClinVar variation 3247348 (VCV003247348.1).